The following is an entry in ClinVar:

ClinVar aggregate classification (germline): Uncertain significance (0 of 4 stars; one submission).

Conditions:
Wolff-Parkinson-White pattern. Also called: WPW SYNDROME; Auriculoventricular accessory pathway syndrome; False bundle branch block syndrome; Anomalous ventricular excitation syndrome. Identifiers: MedGen C0043202, MONDO:0008685, OMIM 194200, HP:0001716.

gnomAD v4.1: 2 of 1,613,854 alleles (0.00012%); highest among the groups gnomAD compares: Non-Finnish European, 0.00017%; no homozygotes.

Submission:

Lupski Lab, Baylor-Hopkins CMG, Baylor College of Medicine
Classification: Uncertain significance for Wolff-Parkinson-White pattern. Last evaluated: 2017-07-14. Review status: no assertion criteria provided. Collection method: research. Allele origin: inherited. Affected: yes. Observed: 1 variant allele. Study: Candidate_variants_in_patients_with_ Wolff-Parkinson-White Syndrome.

NM_020297.4(ABCC9):c.448A>G (p.Ile150Val)

Gene: ABCC9 (ATP binding cassette subfamily C member 9; minus strand). Cytogenetic location: 12p12.1.
Variant type: single nucleotide variant.
Coding change: c.448A>G on transcript NM_020297.4 (MANE Select); coding-DNA position 448, A replaced by G.
Protein change: p.Ile150Val; replaces isoleucine 150 with valine.
Molecular consequence: missense variant. On other transcripts: intron variant (1).
Genome position (GRCh38, 1-based): chr12:21,917,062, T>C on the plus strand (A>G on the coding strand, the complement: ABCC9 is on the minus strand). VCF-style: chr12-21917062-T-C. GRCh37 (hg19) VCF-style: chr12-22069996-T-C.
Other names: c.448A>G, p.Ile150Val (NM_001377273.1, NM_005691.4); c.-48-3996A>G (NM_001377274.1); short protein forms I150V.
Identifiers: ClinVar variation 487606 (VCV000487606.1), dbSNP rs1555117063, ClinGen allele CA384125776.